The following is an entry in ClinVar:

NM_024884.3(L2HGDH):c.533A>T (p.Tyr178Phe)

Gene: L2HGDH (L-2-hydroxyglutarate dehydrogenase; minus strand). Cytogenetic location: 14q21.3.
Variant type: single nucleotide variant.
Coding change: c.533A>T on transcript NM_024884.3 (MANE Select); coding-DNA position 533, A replaced by T.
Protein change: p.Tyr178Phe; replaces tyrosine 178 with phenylalanine.
Molecular consequence: missense variant.
Genome position (GRCh38, 1-based): chr14:50,294,122, T>A on the plus strand (A>T on the coding strand, the complement: L2HGDH is on the minus strand). VCF-style: chr14-50294122-T-A. GRCh37 (hg19) VCF-style: chr14-50760840-T-A.
Other names: short protein forms Y178F.
Identifiers: ClinVar variation 577417 (VCV000577417.7), dbSNP rs770542189, ClinGen allele CA7178003.

ClinVar aggregate classification (germline): Uncertain significance. Review status: criteria provided, multiple submitters, no conflicts (2 of 4 stars). 2 submissions from 2 submitters: Uncertain significance (2). Last evaluated 2024-06-28.

Conditions:
L-2-hydroxyglutaric aciduria (L2HGA). Identifiers: Orphanet 79314, MedGen C1855995, MONDO:0009370, OMIM 236792, HP:0040144.

Allele frequency attached by ClinVar (database versions not stated): ExAC 0.00003; gnomAD exomes 0.00003 and 0.00004; gnomAD 0.00004 and 0.00005; TOPMed 0.00005.
gnomAD v4.1: 24 of 1,613,836 alleles (0.0015%); highest among the groups gnomAD compares: Admixed American, 0.022%; no homozygotes.

Submissions (2):

Blueprint Genetics
Classification: Uncertain significance. Last evaluated: 2024-06-28. Review status: criteria provided, single submitter. Criteria: ACMG Guidelines, 2015. Collection method: clinical testing. Allele origin: germline.

Labcorp Genetics (formerly Invitae), Labcorp
Classification: Uncertain significance for L-2-hydroxyglutaric aciduria. Last evaluated: 2018-07-13. Review status: criteria provided, single submitter. Criteria: Invitae Variant Classification Sherloc (09022015). Collection method: clinical testing. Allele origin: germline.
Comment: This sequence change replaces tyrosine with phenylalanine at codon 178 of the L2HGDH protein (p.Tyr178Phe). The tyrosine residue is highly conserved and there is a small physicochemical difference between tyrosine and phenylalanine. In summary, the available evidence is currently insufficient to determine the role of this variant in disease. Therefore, it has been classified as a Variant of Uncertain Significance. Algorithms developed to predict the effect of missense changes on protein structure and function (SIFT, PolyPhen-2, Align-GVGD) all suggest that this variant is likely to be tolerated, but these predictions have not been confirmed by published functional studies and their clinical significance is uncertain. This variant has not been reported in the literature in individuals with L2HGDH-related disease. This variant is present in population databases (rs770542189, ExAC 0.02%).